The following is an entry in ClinVar:

ClinVar aggregate classification (germline): Uncertain significance. Review status: criteria provided, multiple submitters, no conflicts (2 of 4 stars). 2 submissions from 2 submitters: Uncertain significance (2). Last evaluated 2026-01-05.

Conditions:
Inborn genetic diseases. Identifiers: MedGen C0950123, MeSH D030342.

Submissions (2):

Ambry Genetics
Classification: Uncertain significance for Inborn genetic diseases. Last evaluated: 2026-01-05. Review status: criteria provided, single submitter. Criteria: Ambry Variant Classification Scheme 2023. Collection method: clinical testing. Allele origin: germline.

GeneDx
Classification: Uncertain significance. Last evaluated: 2022-09-08. Review status: criteria provided, single submitter. Criteria: GeneDx Variant Classification Process June 2021. Collection method: clinical testing. Allele origin: germline. Affected: yes.
Comment: Not observed at significant frequency in large population cohorts (gnomAD); In silico analysis supports that this missense variant does not alter protein structure/function; Has not been previously published as pathogenic or benign to our knowledge

NM_153252.5(BRWD3):c.3171A>G (p.Ile1057Met)

Gene: BRWD3 (bromodomain and WD repeat domain containing 3; minus strand). Cytogenetic location: Xq21.1.
Variant type: single nucleotide variant.
Coding change: c.3171A>G on transcript NM_153252.5 (MANE Select); coding-DNA position 3171, A replaced by G.
Protein change: p.Ile1057Met; replaces isoleucine 1057 with methionine.
Molecular consequence: missense variant.
Genome position (GRCh38, 1-based): chrX:80,693,032, T>C on the plus strand (A>G on the coding strand, the complement: BRWD3 is on the minus strand). VCF-style: chrX-80693032-T-C. GRCh37 (hg19) VCF-style: chrX-79948531-T-C.
Other names: short protein forms I1057M.
Identifiers: ClinVar variation 2443471 (VCV002443471.2), dbSNP rs2520240785, ClinGen allele CA413618819.
Genomic context (GRCh38, chrX:80,693,032, plus strand): 5'-ATACTCTGGTTGAAAAGGCTGCTGACTCTCCACAGTCCCAAACCACCAGGCGTCATCTAT[T>C]ATACTGCGGAATCTATCACCTATAATGTTTTAAAATTCTTAAAAGGATGCTCTTGAGAAT-3'
Protein context (NP_694984.5, residues 1047-1067): NWQIGDRFRS[Ile1057Met]IDDAWWFGTV